The following is an entry in ClinVar:

NM_001164508.2(NEB):c.21076C>T (p.Arg7026Ter)

Gene: NEB (nebulin; minus strand). Cytogenetic location: 2q23.3.
Variant type: single nucleotide variant.
Coding change: c.21076C>T on transcript NM_001164508.2 (MANE Select); coding-DNA position 21076, C replaced by T.
Protein change: p.Arg7026Ter; replaces arginine 7026 with a stop codon.
Molecular consequence: nonsense.
Genome position (GRCh38, 1-based): chr2:151,537,898, G>A on the plus strand (C>T on the coding strand, the complement: NEB is on the minus strand). VCF-style: chr2-151537898-G-A. GRCh37 (hg19) VCF-style: chr2-152394412-G-A.
Other names: c.21076C>T, p.Arg7026Ter (NM_001164507.2, NM_001271208.2); c.15973C>T, p.Arg5325Ter (NM_004543.5); short protein forms R7026*, R5325*.
Identifiers: ClinVar variation 190457 (VCV000190457.23), dbSNP rs769345284, ClinGen allele CA199704.

ClinVar aggregate classification (germline): Pathogenic/Likely pathogenic. Review status: criteria provided, multiple submitters, no conflicts (2 of 4 stars). 10 submissions from 9 submitters: Pathogenic (8); Likely pathogenic (1). 1 of the submissions does not count toward it. Last evaluated 2025-11-01.

Conditions:
NEB-related disorder. Also called: NEB-related condition; NEB-Related Disorders.
Nemaline myopathy 2 (NEM2). Also called: Nemaline myopathy 2, autosomal recessive. Identifiers: MedGen C1850569, MONDO:0009725, OMIM 256030.
Arthrogryposis multiplex congenita 6. Identifiers: MedGen C5543431, MONDO:0030281, OMIM 619334.
Nemaline myopathy. Also called: Myopathies, Nemaline. Identifiers: Orphanet 607, MedGen C0206157, MONDO:0018958.
Non-immune hydrops fetalis (NIHF). Also called: Idiopathic hydrops fetalis; Familial non-immune hydrops fetalis; Fetal edema. Identifiers: Orphanet 363999, MedGen C0455988, MONDO:0009369, OMIM 236750, HP:0001790.

Allele frequency attached by ClinVar (database versions not stated): ExAC 0.00002; gnomAD exomes 0.00003.
gnomAD v4.1: 25 of 1,611,682 alleles (0.0016%); highest among the groups gnomAD compares: East Asian, 0.0045%; no homozygotes.

Submissions (10):

Labcorp Genetics (formerly Invitae), Labcorp
Classification: Pathogenic for Nemaline myopathy 2. Last evaluated: 2025-11-01. Review status: criteria provided, single submitter. Criteria: Invitae Variant Classification Sherloc (09022015). Collection method: clinical testing. Allele origin: germline.
Comment: This sequence change creates a premature translational stop signal (p.Arg7026*) in the NEB gene. It is expected to result in an absent or disrupted protein product. Loss-of-function variants in NEB are known to be pathogenic (PMID: 25205138). This variant is present in population databases (rs769345284, gnomAD 0.005%). This premature translational stop signal has been observed in individuals with nemaline myopathy (PMID: 25205138, 26841830). ClinVar contains an entry for this variant (Variation ID: 190457). For these reasons, this variant has been classified as Pathogenic.

3billion
Classification: Pathogenic for Nemaline myopathy 2. Last evaluated: 2025-09-26. Review status: criteria provided, single submitter. Criteria: ACMG Guidelines, 2015. Collection method: clinical testing. Allele origin: germline. Affected: yes.
Comment: The variant is observed at an extremely low frequency in the gnomAD v4.1.0 dataset (total allele frequency: 0.002%). Predicted Consequence/Location: Stop-gained (nonsense): predicted to result in a loss or disruption of normal protein function through nonsense-mediated decay (NMD) or protein truncation. Multiple pathogenic variants are reported downstream of the variant. The variant has been reported at least twice as pathogenic with clinical assertions and evidence for the classification (ClinVar ID: VCV000190457 /PMID: 25205138). Therefore, this variant is classified as Pathogenic according to the recommendation of ACMG/AMP guideline.

Natera, Inc.
Classification: Pathogenic for Nemaline myopathy type 2. Last evaluated: 2025-07-24. Review status: criteria provided, single submitter. Criteria: Natera Variant Classification Schema (03/2026). Collection method: clinical testing. Allele origin: germline.
Comment: The c.21076C>T variant in NEB is a nonsense variant predicted to introduce a stop codon at amino acid 7026. This variant is expected to result in nonsense mediated decay, truncation, or a dysfunctional protein product. This variant is rare in the general population with a frequency below the threshold expected for the associated phenotype(s). This variant has been observed in one or more individuals affected with the associated recessive disease, as either homozygous or compound heterozygous with a second variant (PMID: 25205138, 36233295). Given the available evidence, this variant is classified as Pathogenic.

Genomic Medicine Center of Excellence, King Faisal Specialist Hospital and Research Centre
Classification: Pathogenic for Nemaline myopathy 2. Last evaluated: 2024-03-14. Review status: criteria provided, single submitter. Criteria: ACMG Guidelines, 2015. Collection method: research. Allele origin: germline.

Baylor Genetics
Classification: Pathogenic for Arthrogryposis multiplex congenita 6. Last evaluated: 2024-02-22. Review status: criteria provided, single submitter. Criteria: ACMG Guidelines, 2015. Collection method: clinical testing. Allele origin: unknown.

Blueprint Genetics
Classification: Pathogenic for NEB-related disorders. Last evaluated: 2023-12-11. Review status: criteria provided, single submitter. Criteria: ACMG Guidelines, 2015. Collection method: clinical testing. Allele origin: germline. Affected: yes. Observed: 5 variant alleles.

Fulgent Genetics
Classification: Pathogenic for Nemaline myopathy 2; Arthrogryposis multiplex congenita 6. Last evaluated: 2022-03-23. Review status: criteria provided, single submitter. Criteria: ACMG Guidelines, 2015. Collection method: clinical testing. Allele origin: unknown.

Women's Health and Genetics/Laboratory Corporation of America, LabCorp
Classification: Pathogenic for Nemaline myopathy. Last evaluated: 2018-05-14. Review status: criteria provided, single submitter. Criteria: LabCorp Variant Classification Summary - May 2015. Collection method: clinical testing. Allele origin: germline.
Comment: Variant summary: NEB c.21076C>T (p.Arg7026X) results in a premature termination codon, predicted to cause a truncation of the encoded protein or absence of the protein due to nonsense mediated decay, which are commonly known mechanisms for disease. Truncations downstream of this position have been classified as pathogenic by our laboratory (eg. c.24407_24410dupTGTT, p.Leu8137fsX18; c.24559C>T, p.Arg8187X). The variant allele was found at a frequency of 3.3e-05 in 244554 control chromosomes (gnomAD). This frequency is not significantly higher than expected for a pathogenic variant in NEB causing Nemaline Myopathy 2 (3.3e-05 vs 0.0035), allowing no conclusion about variant significance. The variant, c.21076C>T, has been reported in the literature in individuals affected with Nemaline Myopathy 2 (Lehtokari_2014, Oliveira_2016, Park_2018), as well as in a family with recurrent fetal loss in the homozygous state (Shamseldin_2015). These data indicate that the variant is likely to be associated with disease. To our knowledge, no experimental evidence demonstrating an impact on protein function has been reported. No clinical diagnostic laboratories have submitted clinical-significance assessments for this variant to ClinVar after 2014. Based on the evidence outlined above, the variant was classified as pathogenic.

Genomic Medicine Center of Excellence, King Faisal Specialist Hospital and Research Centre
Classification: Likely pathogenic for Non-Immune hydrops fetalis. Last evaluated: 2013-12-15. Review status: criteria provided, single submitter. Criteria: Submitter's publication. Collection method: research. Allele origin: germline. Affected: yes. Observed: 1 homozygote.

Counsyl
Classification: Pathogenic for Nemaline myopathy 2. Last evaluated: 2017-01-06. Review status: no assertion criteria provided. Collection method: clinical testing. Allele origin: unknown. Not counted in ClinVar's aggregate classification.

Literature cited by the submitters: PubMed 25205138 (cited by 5 submitters); PubMed 26841830 (cited by Labcorp Genetics (formerly Invitae), Labcorp and Counsyl); PubMed 36233295 (cited by Natera, Inc.); PubMed 18330676 (cited by Women's Health and Genetics/Laboratory Corporation of America, LabCorp).